The following is an entry in ClinVar:

ClinVar aggregate classification (germline): Uncertain significance (1 of 4 stars; one submission).

Conditions:
Autosomal recessive limb-girdle muscular dystrophy type 2K. Also called: MUSCULAR DYSTROPHY-DYSTROGLYCANOPATHY (LIMB-GIRDLE), TYPE C, 1; MUSCULAR DYSTROPHY, LIMB-GIRDLE, TYPE 2K. Identifiers: Orphanet 86812, MedGen C1836373, MONDO:0012248, OMIM 609308.
Walker-Warburg congenital muscular dystrophy. Also called: Muscular dystrophy-dystroglycanopathy, type A; Walker-Warburg syndrome. Identifiers: Orphanet 899, MedGen C0265221, MONDO:0000171.
Muscular dystrophy-dystroglycanopathy (congenital with impaired intellectual development), type B, 1. Also called: Muscular dystrophy-dystroglycanopathy (congenital with intellectual disability), type B1; MUSCULAR DYSTROPHY, CONGENITAL, POMT1-RELATED. Identifiers: MedGen C5436962, MONDO:0013159, OMIM 613155.

Allele frequency attached by ClinVar (database versions not stated): gnomAD exomes below 0.00001.
gnomAD v4.1: 1 of 1,613,844 alleles (0.000062%); highest among the groups gnomAD compares: Non-Finnish European, 0.000085%; no homozygotes.

Submission:

Labcorp Genetics (formerly Invitae), Labcorp
Classification: Uncertain significance for Congenital muscular dystrophy-dystroglycanopathy with mental retardation, type B1; Walker-Warburg congenital muscular dystrophy; Limb-girdle muscular dystrophy-dystroglycanopathy, type C1. Last evaluated: 2019-09-05. Review status: criteria provided, single submitter. Criteria: Invitae Variant Classification Sherloc (09022015). Collection method: clinical testing. Allele origin: germline.
Comment: This sequence change replaces glycine with alanine at codon 501 of the POMT1 protein (p.Gly501Ala). The glycine residue is moderately conserved and there is a small physicochemical difference between glycine and alanine. This variant is not present in population databases (ExAC no frequency). This variant has not been reported in the literature in individuals with POMT1-related conditions. Algorithms developed to predict the effect of missense changes on protein structure and function output the following: SIFT: "Tolerated"; PolyPhen-2: "Possibly Damaging"; Align-GVGD: "Class C0". The alanine amino acid residue is found in multiple mammalian species, suggesting that this missense change does not adversely affect protein function. These predictions have not been confirmed by published functional studies and their clinical significance is uncertain. In summary, the available evidence is currently insufficient to determine the role of this variant in disease. Therefore, it has been classified as a Variant of Uncertain Significance.

NM_001077365.2(POMT1):c.1436G>C (p.Gly479Ala)

Gene: POMT1 (protein O-mannosyltransferase 1; plus strand). Cytogenetic location: 9q34.13.
Variant type: single nucleotide variant.
Coding change: c.1436G>C on transcript NM_001077365.2 (MANE Select); coding-DNA position 1436, G replaced by C.
Protein change: p.Gly479Ala; replaces glycine 479 with alanine.
Molecular consequence: missense variant. On other transcripts: non-coding transcript variant (10), intron variant (1).
Genome position (GRCh38, 1-based): chr9:131,518,907, G>C. VCF-style: chr9-131518907-G-C. GRCh37 (hg19) VCF-style: chr9-134394294-G-C.
Other names: c.1274G>C, p.Gly425Ala (NM_001077366.2, NM_001353194.2); c.1436G>C, p.Gly479Ala (NM_001136113.2); c.1085G>C, p.Gly362Ala (NM_001136114.2, NM_001353195.2, NM_001374691.1 and 2 more transcripts); c.1502G>C, p.Gly501Ala (NM_001353193.2, NM_007171.4); c.1346G>C, p.Gly449Ala (NM_001353196.2); c.1340G>C, p.Gly447Ala (NM_001353197.2, NM_001353198.2); c.1151G>C, p.Gly384Ala (NM_001353199.2); c.980G>C, p.Gly327Ala (NM_001353200.2); and 3 more; short protein forms G362A, G479A, G425A, G449A, G475A, G327A, G349A, G384A.
Identifiers: ClinVar variation 940502 (VCV000940502.1), dbSNP rs1949313840, ClinGen allele CA375311981.
Genomic context (GRCh38, chr9:131,518,907, plus strand): 5'-CTCACCTCCCTGACTGGGGGTATCGGCAACTGGAGATCGTCGGGGAGAAGCTGTCCCGGG[G>C]CTACCACGGGAGCACGGTGTGGAACGTGGAGGAGCACCGATACGGCGCGAGTGAGTCCGC-3'
Protein context (NP_001070833.1, residues 469-489): LEIVGEKLSR[Gly479Ala]YHGSTVWNVE